The following is an entry in ClinVar:

NM_006929.5(SKIC2):c.1286A>G (p.Asn429Ser)

Genes: SKIC2 (SKI2 subunit of superkiller complex; plus strand), LOC126859653 (CDK7 strongly-dependent group 2 enhancer GRCh37_chr6:31929542-31930741; plus strand). Cytogenetic location: 6p21.33.
Variant type: single nucleotide variant.
Coding change: c.1286A>G on transcript NM_006929.5 (MANE Select); coding-DNA position 1286, A replaced by G.
Protein change: p.Asn429Ser; replaces asparagine 429 with serine.
Molecular consequence: missense variant.
Genome position (GRCh38, 1-based): chr6:31,962,788, A>G. VCF-style: chr6-31962788-A-G. GRCh37 (hg19) VCF-style: chr6-31930565-A-G.
Other names: c.1286A>G (NM_006929.4); short protein forms N429S.
Identifiers: ClinVar variation 2989511 (VCV002989511.3), dbSNP rs776721859, ClinGen allele CA3729409.

ClinVar aggregate classification (germline): Uncertain significance. Review status: criteria provided, multiple submitters, no conflicts (2 of 4 stars). 2 submissions from 2 submitters: Uncertain significance (2). Last evaluated 2025-03-03.

Conditions:
Inborn genetic diseases. Identifiers: MedGen C0950123, MeSH D030342.

Allele frequency attached by ClinVar (database versions not stated): gnomAD exomes below 0.00001; TOPMed 0.00001; ExAC 0.00001.
gnomAD v4.1: 5 of 1,611,266 alleles (0.00031%); highest among the groups gnomAD compares: Non-Finnish European, 0.00042%; no homozygotes.

Submissions (2):

Labcorp Genetics (formerly Invitae), Labcorp
Classification: Uncertain significance. Last evaluated: 2025-03-03. Review status: criteria provided, single submitter. Criteria: Invitae Variant Classification Sherloc (09022015). Collection method: clinical testing. Allele origin: germline.
Comment: This sequence change replaces asparagine, which is neutral and polar, with serine, which is neutral and polar, at codon 429 of the SKIV2L protein (p.Asn429Ser). This variant is present in population databases (rs776721859, gnomAD 0.003%). This variant has not been reported in the literature in individuals affected with SKIV2L-related conditions. ClinVar contains an entry for this variant (Variation ID: 2989511). An algorithm developed to predict the effect of missense changes on protein structure and function (PolyPhen-2) suggests that this variant is likely to be tolerated. In summary, the available evidence is currently insufficient to determine the role of this variant in disease. Therefore, it has been classified as a Variant of Uncertain Significance.

Ambry Genetics
Classification: Uncertain significance for Inborn genetic diseases. Last evaluated: 2024-12-25. Review status: criteria provided, single submitter. Criteria: Ambry Variant Classification Scheme 2023. Collection method: clinical testing. Allele origin: germline.